The following is an entry in ClinVar:

NM_032119.4(ADGRV1):c.8156-6T>C

Gene: ADGRV1 (adhesion G protein-coupled receptor V1; plus strand). Cytogenetic location: 5q14.3.
Variant type: single nucleotide variant.
Coding change: c.8156-6T>C on transcript NM_032119.4 (MANE Select); 6 bases into the intron before coding-DNA position 8156, T replaced by C.
Molecular consequence: intron variant.
Genome position (GRCh38, 1-based): chr5:90,703,659, T>C. VCF-style: chr5-90703659-T-C. GRCh37 (hg19) VCF-style: chr5-89999476-T-C.
Other names: p.?; c.8156-6T>C (NM_032119.3).
Identifiers: ClinVar variation 196960 (VCV000196960.14), dbSNP rs574939589, ClinGen allele CA244806.

ClinVar aggregate classification (germline): Conflicting classifications of pathogenicity. Review status: criteria provided, conflicting classifications (1 of 4 stars). 5 submissions from 5 submitters: Uncertain significance (1); Likely benign (4). Last evaluated 2025-03-13.

Conditions:
ADGRV1-related disorder. Also called: ADGRV1-related condition; ADGRV1-related disorders.

Allele frequency attached by ClinVar (database versions not stated): gnomAD 0.00001; gnomAD exomes 0.00001 and 0.00006; TOPMed 0.00002; ExAC 0.00010; 1000 Genomes Project 30x 0.00016; 1000 Genomes Project 0.00020.
gnomAD v4.1: 16 of 1,590,160 alleles (0.001%); highest among the groups gnomAD compares: East Asian, 0.036%; no homozygotes.

Submissions (5):

Mayo Clinic Laboratories, Mayo Clinic
Classification: Likely benign. Last evaluated: 2025-03-13. Review status: criteria provided, single submitter. Criteria: ACMG Guidelines, 2015. Collection method: clinical testing. Allele origin: germline. Observed: 1 variant allele.
Comment: BP4, BP7

PreventionGenetics, part of Exact Sciences
Classification: Likely benign for ADGRV1-related condition. Last evaluated: 2025-01-21. Review status: criteria provided, single submitter. Criteria: ACMG Guidelines, 2015. Collection method: clinical testing. Allele origin: germline.
Comment: This variant is classified as likely benign based on ACMG/AMP sequence variant interpretation guidelines (Richards et al. 2015 PMID: 25741868, with internal and published modifications).

Labcorp Genetics (formerly Invitae), Labcorp
Classification: Likely benign. Last evaluated: 2024-05-20. Review status: criteria provided, single submitter. Criteria: Invitae Variant Classification Sherloc (09022015). Collection method: clinical testing. Allele origin: germline.

GeneDx
Classification: Likely benign. Last evaluated: 2019-12-31. Review status: criteria provided, single submitter. Criteria: GeneDx Variant Classification Process June 2021. Collection method: clinical testing. Allele origin: germline. Affected: yes.

Eurofins Ntd Llc (ga)
Classification: Uncertain significance. Last evaluated: 2014-08-21. Review status: criteria provided, single submitter. Criteria: EGL Classification Definitions 2015. Collection method: clinical testing. Allele origin: germline. Observed: 1 variant allele, 1 heterozygote.